The following is an entry in ClinVar:

NM_000548.5(TSC2):c.2818C>G (p.Leu940Val)

Gene: TSC2 (TSC complex subunit 2; plus strand). Cytogenetic location: 16p13.3.
Variant type: single nucleotide variant.
Coding change: c.2818C>G on transcript NM_000548.5 (MANE Select); coding-DNA position 2818, C replaced by G.
Protein change: p.Leu940Val; replaces leucine 940 with valine.
Molecular consequence: missense variant.
Genome position (GRCh38, 1-based): chr16:2,076,566, C>G. VCF-style: chr16-2076566-C-G. GRCh37 (hg19) VCF-style: chr16-2126567-C-G.
Other names: c.2818C>G, p.Leu940Val (NM_001077183.3, NM_001114382.3, NM_021055.3 and 6 more transcripts); c.2707C>G, p.Leu903Val (NM_001318827.2, NM_001406670.1, NM_001406678.1); c.2671C>G, p.Leu891Val (NM_001318829.2, NM_001406675.1, NM_001406676.1 and 1 more transcripts); c.2806C>G, p.Leu936Val (NM_001406671.1, NM_001406673.1); c.2761C>G, p.Leu921Val (NM_001406677.1); c.2218C>G, p.Leu740Val (NM_001406680.1, NM_001318831.2, NM_001406682.1 and 6 more transcripts); c.1474C>G, p.Leu492Val (NM_001406691.1, NM_001406692.1, NM_001406693.1 and 6 more transcripts); c.1216C>G, p.Leu406Val (NM_001406698.1); and 3 more; short protein forms L406V, L492V, L740V, L786V, L891V, L903V, L921V, L936V.
Identifiers: ClinVar variation 1718803 (VCV001718803.6), dbSNP rs1378325757, ClinGen allele CA394280194.

ClinVar aggregate classification (germline): Uncertain significance. Review status: criteria provided, multiple submitters, no conflicts (2 of 4 stars). 2 submissions from 2 submitters: Uncertain significance (2). Last evaluated 2024-09-30.

Conditions:
Tuberous sclerosis 2 (TSC2). Identifiers: Orphanet 805, MedGen C1860707, MONDO:0013199, OMIM 613254.
Hereditary cancer-predisposing syndrome. Also called: Hereditary neoplastic syndrome; Tumor predisposition; Neoplastic Syndromes, Hereditary; Hereditary Cancer Syndrome. Identifiers: Orphanet 140162, MedGen C0027672, MeSH D009386, MONDO:0015356.

Submissions (2):

Ambry Genetics
Classification: Uncertain significance for Hereditary cancer-predisposing syndrome. Last evaluated: 2024-09-30. Review status: criteria provided, single submitter. Criteria: Ambry Variant Classification Scheme 2023. Collection method: clinical testing. Allele origin: germline.
Comment: The p.L940V variant (also known as c.2818C>G), located in coding exon 24 of the TSC2 gene, results from a C to G substitution at nucleotide position 2818. The leucine at codon 940 is replaced by valine, an amino acid with highly similar properties. This amino acid position is conserved. In addition, the in silico prediction for this alteration is inconclusive. Based on the available evidence, the clinical significance of this variant remains unclear.

Labcorp Genetics (formerly Invitae), Labcorp
Classification: Uncertain significance for Tuberous sclerosis 2. Last evaluated: 2022-09-03. Review status: criteria provided, single submitter. Criteria: Invitae Variant Classification Sherloc (09022015). Collection method: clinical testing. Allele origin: germline.
Comment: This sequence change replaces leucine, which is neutral and non-polar, with valine, which is neutral and non-polar, at codon 940 of the TSC2 protein (p.Leu940Val). This variant is not present in population databases (gnomAD no frequency). This variant has not been reported in the literature in individuals affected with TSC2-related conditions. Advanced modeling of protein sequence and biophysical properties (such as structural, functional, and spatial information, amino acid conservation, physicochemical variation, residue mobility, and thermodynamic stability) performed at Invitae indicates that this missense variant is not expected to disrupt TSC2 protein function. In summary, the available evidence is currently insufficient to determine the role of this variant in disease. Therefore, it has been classified as a Variant of Uncertain Significance.